The following is an entry in ClinVar:

NM_001136193.2(FASTKD2):c.1778C>T (p.Ser593Leu)

Gene: FASTKD2 (FAST kinase domains 2; plus strand). Cytogenetic location: 2q33.3.
Variant type: single nucleotide variant.
Coding change: c.1778C>T on transcript NM_001136193.2 (MANE Select); coding-DNA position 1778, C replaced by T.
Protein change: p.Ser593Leu; replaces serine 593 with leucine.
Molecular consequence: missense variant.
Genome position (GRCh38, 1-based): chr2:206,788,120, C>T. VCF-style: chr2-206788120-C-T. GRCh37 (hg19) VCF-style: chr2-207652844-C-T.
Other names: p.Ser593Leu; c.1778C>T, p.Ser593Leu (NM_001136194.2, NM_014929.4); short protein forms S593L.
Identifiers: ClinVar variation 333806 (VCV000333806.11), dbSNP rs150016888, ClinGen allele CA2075255.
Genomic context (GRCh38, chr2:206,788,120, plus strand): 5'-ATACAAATGCAAAGGTGGCAGAGGTGCTGAGCAGCCTTCTGGGAGGTGAAGGACACTTCT[C>T]AAAGGATGTGCACTTGCCACACAATTATCATATTGGTATGGGACATTATATGATTTCCTT-3'
Protein context (NP_001129665.1, residues 583-603): SSLLGGEGHF[Ser593Leu]KDVHLPHNYH

ClinVar aggregate classification (germline): Conflicting classifications of pathogenicity. Review status: criteria provided, conflicting classifications (1 of 4 stars). 4 submissions from 4 submitters: Uncertain significance (3); Likely benign (1). Last evaluated 2025-11-17.

Conditions:
Combined oxidative phosphorylation deficiency 44. Also called: FASTKD2-Related Combined Oxidative Phosphorylation Deficiency. Identifiers: MedGen C5394293, MONDO:0030020, OMIM 618855.
Mitochondrial complex IV deficiency, nuclear type 1 (MC4DN1). Also called: COX DEFICIENCY; Mitochondrial complex IV deficiency; Complex 4 mitochondrial respiratory chain deficiency; Deficiency of mitochondrial respiratory chain complex4; Complex IV deficiency. Identifiers: MedGen C5435656, MONDO:0700250, OMIM 220110. Disease mechanism: loss of function.

Allele frequency attached by ClinVar (database versions not stated): gnomAD 0.00006 and 0.00007; TOPMed 0.00013; gnomAD exomes 0.00020; ExAC 0.00022; ESP Exome Variant Server 0.00038.
gnomAD v4.1: 209 of 1,610,306 alleles (0.013%); highest among the groups gnomAD compares: Middle Eastern, 0.083%; 1 homozygote.

Submissions (4):

Labcorp Genetics (formerly Invitae), Labcorp
Classification: Likely benign. Last evaluated: 2025-11-17. Review status: criteria provided, single submitter. Criteria: Invitae Variant Classification Sherloc (09022015). Collection method: clinical testing. Allele origin: germline.

Mayo Clinic Laboratories, Mayo Clinic
Classification: Uncertain significance. Last evaluated: 2022-11-16. Review status: criteria provided, single submitter. Criteria: ACMG Guidelines, 2015. Collection method: clinical testing. Allele origin: germline. Observed: 1 variant allele.
Comment: BP4

Fulgent Genetics
Classification: Uncertain significance for Combined oxidative phosphorylation deficiency 44. Last evaluated: 2022-05-03. Review status: criteria provided, single submitter. Criteria: ACMG Guidelines, 2015. Collection method: clinical testing. Allele origin: unknown.

Illumina Laboratory Services, Illumina
Classification: Uncertain significance for Mitochondrial complex IV deficiency, nuclear type 1. Last evaluated: 2018-01-12. Review status: criteria provided, single submitter. Criteria: ICSL Variant Classification Criteria 13 December 2019. Collection method: clinical testing. Allele origin: germline.